The following is an entry in ClinVar:

ClinVar aggregate classification (germline): Uncertain significance. Review status: criteria provided, multiple submitters, no conflicts (2 of 4 stars). 3 submissions from 3 submitters: Uncertain significance (3). Last evaluated 2026-06-02.

Conditions:
MAGEL2-related disorder. Also called: MAGEL2-related condition.

Allele frequency attached by ClinVar (database versions not stated): ExAC 0.00001; gnomAD 0.00001; TOPMed 0.00001; ESP Exome Variant Server 0.00008.
gnomAD v4.1: 17 of 1,613,712 alleles (0.0011%); highest among the groups gnomAD compares: Admixed American, 0.0017%; no homozygotes.

Submissions (3):

PreventionGenetics, part of Exact Sciences
Classification: Uncertain significance for MAGEL2-related condition. Last evaluated: 2026-06-02. Review status: criteria provided, single submitter. Criteria: ACMG Guidelines, 2015. Collection method: clinical testing. Allele origin: germline.
Comment: The MAGEL2 c.2222A>T variant is predicted to result in the amino acid substitution p.Glu741Val. To our knowledge, this variant has not been reported in the literature. This variant is reported in 0.00078% of alleles in individuals of European (Non-Finnish) descent in gnomAD. At this time, the clinical significance of this variant is uncertain due to the absence of conclusive functional and genetic evidence.

Labcorp Genetics (formerly Invitae), Labcorp
Classification: Uncertain significance. Last evaluated: 2024-11-05. Review status: criteria provided, single submitter. Criteria: Invitae Variant Classification Sherloc (09022015). Collection method: clinical testing. Allele origin: germline.
Comment: This sequence change replaces glutamic acid, which is acidic and polar, with valine, which is neutral and non-polar, at codon 741 of the MAGEL2 protein (p.Glu741Val). This variant is present in population databases (rs376966188, gnomAD 0.002%). This variant has not been reported in the literature in individuals affected with MAGEL2-related conditions. ClinVar contains an entry for this variant (Variation ID: 2629238). Invitae Evidence Modeling of protein sequence and biophysical properties (such as structural, functional, and spatial information, amino acid conservation, physicochemical variation, residue mobility, and thermodynamic stability) indicates that this missense variant is not expected to disrupt MAGEL2 protein function with a negative predictive value of 80%. In summary, the available evidence is currently insufficient to determine the role of this variant in disease. Therefore, it has been classified as a Variant of Uncertain Significance.

Blueprint Genetics
Classification: Uncertain significance. Last evaluated: 2024-02-02. Review status: criteria provided, single submitter. Criteria: ACMG Guidelines, 2015. Collection method: clinical testing. Allele origin: germline.

NM_019066.5(MAGEL2):c.2222A>T (p.Glu741Val)

Gene: MAGEL2 (MAGE family member L2; minus strand). Cytogenetic location: 15q11.2.
Variant type: single nucleotide variant.
Coding change: c.2222A>T on transcript NM_019066.5 (MANE Select); coding-DNA position 2222, A replaced by T.
Protein change: p.Glu741Val; replaces glutamic acid 741 with valine.
Molecular consequence: missense variant.
Genome position (GRCh38, 1-based): chr15:23,645,521, T>A on the plus strand (A>T on the coding strand, the complement: MAGEL2 is on the minus strand). VCF-style: chr15-23645521-T-A. GRCh37 (hg19) VCF-style: chr15-23890668-T-A.
Other names: short protein forms E741V.
Identifiers: ClinVar variation 2629238 (VCV002629238.5), dbSNP rs376966188, ClinGen allele CA7429936.